The following is an entry in ClinVar:

ClinVar aggregate classification (germline): Uncertain significance (1 of 4 stars; one submission).

gnomAD v4.1: 1 of 1,612,890 alleles (0.000062%); highest among the groups gnomAD compares: Non-Finnish European, 0.000085%; no homozygotes.

Submission:

Labcorp Genetics (formerly Invitae), Labcorp
Classification: Uncertain significance. Last evaluated: 2021-12-28. Review status: criteria provided, single submitter. Criteria: Invitae Variant Classification Sherloc (09022015). Collection method: clinical testing. Allele origin: germline.
Comment: In summary, the available evidence is currently insufficient to determine the role of this variant in disease. Therefore, it has been classified as a Variant of Uncertain Significance. Algorithms developed to predict the effect of sequence changes on RNA splicing suggest that this variant may create or strengthen a splice site. This variant has not been reported in the literature in individuals affected with MICAL1-related conditions. This variant is not present in population databases (gnomAD no frequency). This sequence change falls in intron 14 of the MICAL1 gene. It does not directly change the encoded amino acid sequence of the MICAL1 protein.

NM_022765.4(MICAL1):c.1944+19G>T

Gene: MICAL1 (microtubule associated monooxygenase, calponin and LIM domain containing 1; minus strand). Cytogenetic location: 6q21.
Variant type: single nucleotide variant.
Coding change: c.1944+19G>T on transcript NM_022765.4 (MANE Select); 19 bases into the intron after coding-DNA position 1944, G replaced by T.
Molecular consequence: intron variant.
Genome position (GRCh38, 1-based): chr6:109,447,856, C>A on the plus strand (G>T on the coding strand, the complement: MICAL1 is on the minus strand). VCF-style: chr6-109447856-C-A. GRCh37 (hg19) VCF-style: chr6-109769059-C-A.
Other names: c.2001+19G>T (NM_001286613.2); c.1686+19G>T (NM_001159291.2).
Identifiers: ClinVar variation 2063646 (VCV002063646.4), dbSNP rs998496364, ClinGen allele CA145119246.